The following is an entry in ClinVar:

ClinVar aggregate classification (germline): Uncertain significance (1 of 4 stars; one submission).

Allele frequency attached by ClinVar (database versions not stated): gnomAD exomes below 0.00001.

Submission:

Labcorp Genetics (formerly Invitae), Labcorp
Classification: Uncertain significance. Last evaluated: 2022-04-08. Review status: criteria provided, single submitter. Criteria: Invitae Variant Classification Sherloc (09022015). Collection method: clinical testing. Allele origin: germline.
Comment: This variant is present in population databases (no rsID available, gnomAD 0.0009%). This sequence change creates a premature translational stop signal (p.Cys76*) in the KRT85 gene. It is expected to result in an absent or disrupted protein product. However, the current clinical and genetic evidence is not sufficient to establish whether loss-of-function variants in KRT85 cause disease. This variant has not been reported in the literature in individuals affected with KRT85-related conditions. In summary, the available evidence is currently insufficient to determine the role of this variant in disease. Therefore, it has been classified as a Variant of Uncertain Significance.

NM_002283.4(KRT85):c.228C>A (p.Cys76Ter)

Gene: KRT85 (keratin 85; minus strand). Cytogenetic location: 12q13.13.
Variant type: single nucleotide variant.
Coding change: c.228C>A on transcript NM_002283.4 (MANE Select); coding-DNA position 228, C replaced by A.
Protein change: p.Cys76Ter; replaces cysteine 76 with a stop codon.
Molecular consequence: nonsense.
Genome position (GRCh38, 1-based): chr12:52,367,178, G>T on the plus strand (C>A on the coding strand, the complement: KRT85 is on the minus strand). VCF-style: chr12-52367178-G-T. GRCh37 (hg19) VCF-style: chr12-52760962-G-T.
Other names: short protein forms C76*.
Identifiers: ClinVar variation 1933171 (VCV001933171.5), dbSNP rs1424155879, ClinGen allele CA384947406.